The following is an entry in ClinVar:

ClinVar aggregate classification (germline): Likely pathogenic. Review status: criteria provided, single submitter (1 of 4 stars). 2 submissions from 2 submitters: Likely pathogenic (1). 1 of the submissions does not count toward it. Last evaluated 2023-07-28.

Submissions (2):

Labcorp Genetics (formerly Invitae), Labcorp
Classification: Likely pathogenic. Last evaluated: 2023-07-28. Review status: criteria provided, single submitter. Criteria: Invitae Variant Classification Sherloc (09022015). Collection method: clinical testing. Allele origin: germline.
Comment: This variant, c.1117_1158dup, results in the insertion of 14 amino acid(s) of the KRT14 protein (p.Ile373_Gln386dup), but otherwise preserves the integrity of the reading frame. This variant is not present in population databases (gnomAD no frequency). This variant has been observed in individual(s) with clinical features of autosomal dominant epidermolysis bullosa simplex (PMID: 20199538; Invitae). In at least one individual the variant was observed to be de novo. ClinVar contains an entry for this variant (Variation ID: 66300). In summary, the currently available evidence indicates that the variant is pathogenic, but additional data are needed to prove that conclusively. Therefore, this variant has been classified as Likely Pathogenic.

Epithelial Biology;  Institute of Medical Biology, Singapore
No classification provided. Review status: no classification provided. Collection method: not provided. Allele origin: not provided. Not counted in ClinVar's aggregate classification.

Literature cited by the submitters: PubMed 20199538 (cited by Labcorp Genetics (formerly Invitae), Labcorp).

NM_000526.5(KRT14):c.1117_1158dup (p.Ile373_Gln386dup)

Gene: KRT14 (keratin 14; minus strand). Cytogenetic location: 17q21.2.
Variant type: Duplication.
Coding change: c.1117_1158dup on transcript NM_000526.5 (MANE Select); coding-DNA positions 1117 to 1158, 42 bases duplicated.
Protein change: p.Ile373_Gln386dup.
Molecular consequence: inframe insertion.
Genome position (GRCh38, 1-based): chr17:41,583,351-41,583,392, 42 bases duplicated; duplicating any 42 consecutive bases within chr17:41,583,351-41,583,405 gives the same sequence; the c. name uses the placement nearest the transcript's 3' end. GRCh37 (hg19): chr17:39,739,616-39,739,657.
Identifiers: ClinVar variation 66300 (VCV000066300.5), dbSNP rs267607401, ClinGen allele CA216817.